The following is an entry in ClinVar:

ClinVar aggregate classification (germline): Uncertain significance (1 of 4 stars; one submission).

Conditions:
TBX3-related disorder. Also called: TBX3-related condition.

gnomAD v4.1: 3 of 1,517,802 alleles (0.0002%); highest among the groups gnomAD compares: African/African-American, 0.0014%; no homozygotes.

Submission:

PreventionGenetics, part of Exact Sciences
Classification: Uncertain significance for TBX3-related condition. Last evaluated: 2026-01-20. Review status: criteria provided, single submitter. Criteria: ACMG Guidelines, 2015. Collection method: clinical testing. Allele origin: germline.
Comment: The TBX3 c.1411C>T variant is predicted to result in the amino acid substitution p.Arg471Cys. To our knowledge, this variant has not been reported in the literature. This variant is reported in 0.0023% of alleles in individuals of European (Non-Finnish) descent in gnomAD. At this time, the clinical significance of this variant is uncertain due to the absence of conclusive functional and genetic evidence.

NM_005996.4(TBX3):c.1351C>T (p.Arg451Cys)

Gene: TBX3 (T-box transcription factor 3; minus strand). Cytogenetic location: 12q24.21.
Variant type: single nucleotide variant.
Coding change: c.1351C>T on transcript NM_005996.4 (MANE Select); coding-DNA position 1351, C replaced by T.
Protein change: p.Arg451Cys; replaces arginine 451 with cysteine.
Molecular consequence: missense variant.
Genome position (GRCh38, 1-based): chr12:114,674,524, G>A on the plus strand (C>T on the coding strand, the complement: TBX3 is on the minus strand). VCF-style: chr12-114674524-G-A. GRCh37 (hg19) VCF-style: chr12-115112329-G-A.
Other names: c.1411C>T, p.Arg471Cys (NM_016569.4); short protein forms R451C, R471C.
Identifiers: ClinVar variation 4979847 (VCV004979847.1).